The following is an entry in ClinVar:

ClinVar aggregate classification (germline): Uncertain significance (1 of 4 stars; one submission).

Allele frequency attached by ClinVar (database versions not stated): ExAC 0.00001; gnomAD exomes 0.00001.
gnomAD v4.1: 6 of 1,612,798 alleles (0.00037%); highest among the groups gnomAD compares: Admixed American, 0.005%; no homozygotes.

Submission:

Labcorp Genetics (formerly Invitae), Labcorp
Classification: Uncertain significance. Last evaluated: 2023-08-04. Review status: criteria provided, single submitter. Criteria: Invitae Variant Classification Sherloc (09022015). Collection method: clinical testing. Allele origin: germline.
Comment: This sequence change replaces threonine, which is neutral and polar, with isoleucine, which is neutral and non-polar, at codon 736 of the CUL7 protein (p.Thr736Ile). This variant is present in population databases (rs769982524, gnomAD 0.009%). This variant has not been reported in the literature in individuals affected with CUL7-related conditions. ClinVar contains an entry for this variant (Variation ID: 1043570). Advanced modeling of protein sequence and biophysical properties (such as structural, functional, and spatial information, amino acid conservation, physicochemical variation, residue mobility, and thermodynamic stability) performed at Invitae indicates that this missense variant is not expected to disrupt CUL7 protein function. In summary, the available evidence is currently insufficient to determine the role of this variant in disease. Therefore, it has been classified as a Variant of Uncertain Significance.

NM_014780.5(CUL7):c.2207C>T (p.Thr736Ile)

Gene: CUL7 (cullin 7; minus strand). Cytogenetic location: 6p21.1.
Variant type: single nucleotide variant.
Coding change: c.2207C>T on transcript NM_014780.5 (MANE Select); coding-DNA position 2207, C replaced by T.
Protein change: p.Thr736Ile; replaces threonine 736 with isoleucine.
Molecular consequence: missense variant.
Genome position (GRCh38, 1-based): chr6:43,047,070, G>A on the plus strand (C>T on the coding strand, the complement: CUL7 is on the minus strand). VCF-style: chr6-43047070-G-A. GRCh37 (hg19) VCF-style: chr6-43014808-G-A.
Other names: c.2303C>T, p.Thr768Ile (NM_001168370.2, NM_001374872.1); c.2207C>T, p.Thr736Ile (NM_001374873.1, NM_001374874.1); short protein forms T736I, T768I.
Identifiers: ClinVar variation 1043570 (VCV001043570.4), dbSNP rs769982524, ClinGen allele CA3813948.